The following is an entry in ClinVar:

NM_001009944.3(PKD1):c.35_46del (p.Ala12_Leu15del)

Gene: PKD1 (polycystin 1, transient receptor potential channel interacting; minus strand). Cytogenetic location: 16p13.3.
Variant type: Deletion.
Coding change: c.35_46del on transcript NM_001009944.3 (MANE Select); coding-DNA positions 35 to 46, 12 bases deleted (CCCTGGGCCTGG).
Protein change: p.Ala12_Leu15del.
Molecular consequence: inframe deletion.
Genome position (GRCh38, 1-based): chr16:2,135,644-2,135,655, CCAGGCCCAGGG deleted on the plus strand (CCCTGGGCCTGG on the coding strand, the reverse complement: PKD1 is on the minus strand); deleting any 12 consecutive bases within chr16:2,135,644-2,135,659 gives the same sequence; the c. name uses the placement nearest the transcript's 3' end. VCF-style (leftmost placement, unchanged base first): chr16-2135643-CCCAGGCCCAGGG-C. GRCh37 (hg19) VCF-style: chr16-2185644-CCCAGGCCCAGGG-C.
Other names: c.35_46del, p.Ala12_Leu15del (NM_000296.4).
Identifiers: ClinVar variation 5037995 (VCV005037995.1).
Genomic context (GRCh38, chr16:2,135,643, plus strand): 5'-GGGGGCTCGCAGGGCCCGCAGCCGCGCCCGGGGCCCCCCGCCAGCGCCCCGAGCCACAGG[CCCAGGCCCAGGG>C]CCAGCGCCAGGCGGGCGGGCGCGGCGGGCGGCATCGTTAGGGCAGCGCGCGCATGGCCCC-3'

ClinVar aggregate classification (germline): Uncertain significance (1 of 4 stars; one submission).

Conditions:
Polycystic kidney disease, adult type (PKD1). Also called: Polycystic Kidney, Autosomal Dominant; Polycystic Kidney Disease 1, Autosomal Dominant; Polycystic kidney disease 1; Polycystic kidney disease 1, severe; POLYCYSTIC KIDNEY DISEASE 1 WITH OR WITHOUT POLYCYSTIC LIVER DISEASE; POLYCYSTIC KIDNEY DISEASE, ADULT, TYPE I. Identifiers: MedGen C3149841, MONDO:0008263, OMIM 173900.

Submission:

Juno Genomics, Hangzhou Juno Genomics, Inc
Classification: Uncertain significance for Polycystic kidney disease, adult type. Review status: criteria provided, single submitter. Criteria: ACMG Guidelines, 2015. Collection method: clinical testing. Allele origin: germline. Affected: yes.
Comment: Absent from controls (or at extremely low frequency if recessive) in Genome Aggregation Database.;Protein length changes due to in-frame deletions/insertions in a non-repeat region or stop-loss variants.;Patient's phenotype or family history is highly specific for a disease with a single genetic etiology.